The following is an entry in ClinVar:

NM_138694.4(PKHD1):c.9735G>A (p.Trp3245Ter)

Gene: PKHD1 (PKHD1 ciliary IPT domain containing fibrocystin/polyductin; minus strand). Cytogenetic location: 6p12.3.
Variant type: single nucleotide variant.
Coding change: c.9735G>A on transcript NM_138694.4 (MANE Select); coding-DNA position 9735, G replaced by A.
Protein change: p.Trp3245Ter; replaces tryptophan 3245 with a stop codon.
Molecular consequence: nonsense.
Genome position (GRCh38, 1-based): chr6:51,747,881, C>T on the plus strand (G>A on the coding strand, the complement: PKHD1 is on the minus strand). VCF-style: chr6-51747881-C-T. GRCh37 (hg19) VCF-style: chr6-51612679-C-T.
Other names: c.9735G>A, p.Trp3245Ter (NM_170724.3); c.9735G>A (NM_138694.3); short protein forms W3245*.
Identifiers: ClinVar variation 2858053 (VCV002858053.4), dbSNP rs1209773827, ClinGen allele CA364420374.

ClinVar aggregate classification (germline): Pathogenic/Likely pathogenic. Review status: criteria provided, multiple submitters, no conflicts (2 of 4 stars). 2 submissions from 2 submitters: Pathogenic (1); Likely pathogenic (1). Last evaluated 2025-07-22.

Conditions:
Autosomal recessive polycystic kidney disease (ARPKD). Also called: AR polycystic kidney disease. Identifiers: Orphanet 731, Orphanet 8378, MedGen C0085548, MeSH D017044, MONDO:0009889.

Submissions (2):

Natera, Inc.
Classification: Likely pathogenic for Autosomal recessive polycystic kidney disease. Last evaluated: 2025-07-22. Review status: criteria provided, single submitter. Criteria: Natera Variant Classification Schema (03/2026). Collection method: clinical testing. Allele origin: germline.
Comment: The c.9735G>A variant in PKHD1 is a nonsense variant predicted to introduce a stop codon at amino acid 3245. This variant is expected to result in nonsense mediated decay, truncation, or a dysfunctional protein product. This variant is rare in the general population with a frequency below the threshold expected for the associated phenotype(s). Given the available evidence, this variant is classified as Likely Pathogenic.

Labcorp Genetics (formerly Invitae), Labcorp
Classification: Pathogenic for Autosomal recessive polycystic kidney disease. Last evaluated: 2023-12-17. Review status: criteria provided, single submitter. Criteria: Invitae Variant Classification Sherloc (09022015). Collection method: clinical testing. Allele origin: germline.
Comment: This sequence change creates a premature translational stop signal (p.Trp3245*) in the PKHD1 gene. It is expected to result in an absent or disrupted protein product. Loss-of-function variants in PKHD1 are known to be pathogenic (PMID: 19940839). This variant is not present in population databases (gnomAD no frequency). This variant has not been reported in the literature in individuals affected with PKHD1-related conditions. For these reasons, this variant has been classified as Pathogenic.

Literature cited by the submitters: PubMed 19940839 (cited by Labcorp Genetics (formerly Invitae), Labcorp).